The following is an entry in ClinVar:

ClinVar aggregate classification (germline): Benign. Review status: criteria provided, multiple submitters, no conflicts (2 of 4 stars). 5 submissions from 5 submitters: Benign (5). Last evaluated 2026-02-04.

Conditions:
DOCK2 deficiency. Also called: Immunodeficiency 40. Identifiers: Orphanet 447737, MedGen C4225328, MONDO:0014637, OMIM 616433.

Allele frequency attached by ClinVar (database versions not stated): ExAC 0.39949; gnomAD 0.42923 and 0.42784; 1000 Genomes Project 30x 0.50297; TOPMed 0.44225; gnomAD exomes 0.39712; ESP Exome Variant Server 0.43426; 1000 Genomes Project 0.50679.
gnomAD v4.1: 592,311 of 1,613,754 alleles (37%); highest among the groups gnomAD compares: African/African-American, 61%; 114,079 homozygotes.

Submissions (5):

Labcorp Genetics (formerly Invitae), Labcorp
Classification: Benign for DOCK2 deficiency. Last evaluated: 2026-02-04. Review status: criteria provided, single submitter. Criteria: Invitae Variant Classification Sherloc (09022015). Collection method: clinical testing. Allele origin: germline.

Women's Health and Genetics/Laboratory Corporation of America, LabCorp
Classification: Benign. Last evaluated: 2026-01-21. Review status: criteria provided, single submitter. Criteria: LabCorp Variant Classification Summary - May 2015. Collection method: clinical testing. Allele origin: germline.

Unidad de Genómica Garrahan, Hospital de Pediatría Garrahan
Classification: Benign. Last evaluated: 2024-01-24. Review status: criteria provided, single submitter. Criteria: ACMG Guidelines, 2015. Collection method: clinical testing. Allele origin: germline. Affected: no. Observed: 63 variant alleles.
Comment: This variant is classified as Benign based on local population frequency. This variant was detected in 66% of patients studied by a panel of primary immunodeficiencies. Number of patients: 63. Only high quality variants are reported.

Mayo Clinic Laboratories, Mayo Clinic
Classification: Benign. Last evaluated: 2022-09-06. Review status: criteria provided, single submitter. Criteria: ACMG Guidelines, 2015. Collection method: clinical testing. Allele origin: germline. Observed: 18 variant alleles.

Genome-Nilou Lab
Classification: Benign for DOCK2 deficiency. Last evaluated: 2021-07-30. Review status: criteria provided, single submitter. Criteria: ACMG Guidelines, 2015. Collection method: clinical testing. Allele origin: germline. Affected: no.

NM_004946.3(DOCK2):c.3612C>T (p.Thr1204=)

Gene: DOCK2 (dedicator of cytokinesis 2; plus strand). Cytogenetic location: 5q35.1.
Variant type: single nucleotide variant.
Coding change: c.3612C>T on transcript NM_004946.3 (MANE Select); coding-DNA position 3612, C replaced by T.
Protein change: p.Thr1204=; no amino-acid change (threonine 1204 retained).
Molecular consequence: synonymous variant. On other transcripts: non-coding transcript variant (1).
Genome position (GRCh38, 1-based): chr5:170,034,543, C>T. VCF-style: chr5-170034543-C-T. GRCh37 (hg19) VCF-style: chr5-169461547-C-T.
Other names: p.Thr1204=; c.3612C>T (NM_004946.2).
Identifiers: ClinVar variation 1165009 (VCV001165009.16), dbSNP rs3763048, ClinGen allele CA3554254.